The following is an entry in ClinVar:

ClinVar aggregate classification (germline): Uncertain significance (1 of 4 stars; one submission).

Conditions:
X-linked distal spinal muscular atrophy type 3. Also called: ATP7A-Related Distal Motor Neuropathy; SPINAL MUSCULAR ATROPHY, DISTAL, X-LINKED RECESSIVE; NEURONOPATHY, DISTAL HEREDITARY MOTOR, X-LINKED; NEUROPATHY, DISTAL HEREDITARY MOTOR, X-LINKED. Identifiers: Orphanet 139557, MedGen C1845359, MONDO:0010338, OMIM 300489.
Menkes kinky-hair syndrome (MNK). Also called: Copper transport disease; Menkes Disease; Classic Menkes Disease. Identifiers: Orphanet 565, MedGen C0022716, MONDO:0010651, OMIM 309400.
Cutis laxa, X-linked (OHS). Also called: EDS IX; Occipital horn syndrome. Identifiers: Orphanet 198, MedGen C0268353, MONDO:0010572, OMIM 304150.

Submission:

Labcorp Genetics (formerly Invitae), Labcorp
Classification: Uncertain significance for X-linked distal spinal muscular atrophy type 3; Cutis laxa, X-linked; Menkes kinky-hair syndrome. Last evaluated: 2022-02-17. Review status: criteria provided, single submitter. Criteria: Invitae Variant Classification Sherloc (09022015). Collection method: clinical testing. Allele origin: germline.
Comment: This sequence change replaces isoleucine, which is neutral and non-polar, with threonine, which is neutral and polar, at codon 1165 of the ATP7A protein (p.Ile1165Thr). This variant is not present in population databases (gnomAD no frequency). This variant has not been reported in the literature in individuals affected with ATP7A-related conditions. Advanced modeling of protein sequence and biophysical properties (such as structural, functional, and spatial information, amino acid conservation, physicochemical variation, residue mobility, and thermodynamic stability) performed at Invitae indicates that this missense variant is not expected to disrupt ATP7A protein function. In summary, the available evidence is currently insufficient to determine the role of this variant in disease. Therefore, it has been classified as a Variant of Uncertain Significance.

NM_000052.7(ATP7A):c.3494T>C (p.Ile1165Thr)

Gene: ATP7A (ATPase copper transporting alpha; plus strand). Cytogenetic location: Xq21.1.
Variant type: single nucleotide variant.
Coding change: c.3494T>C on transcript NM_000052.7 (MANE Select); coding-DNA position 3494, T replaced by C.
Protein change: p.Ile1165Thr; replaces isoleucine 1165 with threonine.
Molecular consequence: missense variant. On other transcripts: non-coding transcript variant (1).
Genome position (GRCh38, 1-based): chrX:78,033,804, T>C. VCF-style: chrX-78033804-T-C. GRCh37 (hg19) VCF-style: chrX-77289302-T-C.
Other names: c.3260T>C, p.Ile1087Thr (NM_001282224.2); short protein forms I1087T, I1165T.
Identifiers: ClinVar variation 2093730 (VCV002093730.4), dbSNP rs2522401593, ClinGen allele CA413604289.